The following is an entry in ClinVar:

ClinVar aggregate classification (germline): Benign/Likely benign. Review status: criteria provided, multiple submitters, no conflicts (2 of 4 stars). 7 submissions from 7 submitters: Benign (2); Likely benign (4). 1 of the submissions does not count toward it. Last evaluated 2026-07-09.

Conditions:
SMARCA4-related disorder. Also called: SMARCA4-related condition.
Hereditary cancer-predisposing syndrome. Also called: Hereditary Cancer Syndrome; Hereditary neoplastic syndrome; Neoplastic Syndromes, Hereditary; Tumor predisposition. Identifiers: Orphanet 140162, MedGen C0027672, MeSH D009386, MONDO:0015356.
Rhabdoid tumor predisposition syndrome 2 (RTPS2). Identifiers: Orphanet 231108, Orphanet 69077, MedGen C2750074, MONDO:0013224, OMIM 613325.

Allele frequency attached by ClinVar (database versions not stated): ExAC 0.00004; ESP Exome Variant Server 0.00008; gnomAD exomes 0.00008 and 0.00009; gnomAD 0.00010 and 0.00009; TOPMed 0.00010.
gnomAD v4.1: 139 of 1,600,240 alleles (0.0087%); highest among the groups gnomAD compares: Admixed American, 0.034%; no homozygotes.

Submissions (7):

Myriad Genetics, Inc.
Classification: Benign for Rhabdoid tumor predisposition syndrome 2. Last evaluated: 2026-07-09. Review status: criteria provided, single submitter. Criteria: Myriad Autosomal Dominant, Autosomal Recessive and X-Linked Classification Criteria (2023). Collection method: clinical testing. Allele origin: unknown.
Comment: This variant is considered benign. This variant is a silent/synonymous amino acid change and it is not expected to impact splicing.

Labcorp Genetics (formerly Invitae), Labcorp
Classification: Likely benign for Rhabdoid tumor predisposition syndrome 2. Last evaluated: 2026-01-26. Review status: criteria provided, single submitter. Criteria: Invitae Variant Classification Sherloc (09022015). Collection method: clinical testing. Allele origin: germline.

CeGaT Center for Human Genetics Tuebingen
Classification: Likely benign. Last evaluated: 2023-06-01. Review status: criteria provided, single submitter. Criteria: CeGaT Center For Human Genetics Tuebingen Variant Classification Criteria Version 2. Collection method: clinical testing. Allele origin: germline. Affected: yes. Observed: 1 variant allele.
Comment: SMARCA4: BP4, BP7

Quest Diagnostics Nichols Institute San Juan Capistrano
Classification: Benign. Last evaluated: 2023-05-31. Review status: criteria provided, single submitter. Criteria: Quest Diagnostics criteria. Collection method: clinical testing. Allele origin: unknown.

Sema4
Classification: Likely benign for Hereditary cancer-predisposing syndrome. Last evaluated: 2021-12-29. Review status: criteria provided, single submitter. Criteria: Sema4 Curation Guidelines. Collection method: curation. Allele origin: germline.

Ambry Genetics
Classification: Likely benign for Hereditary cancer-predisposing syndrome. Last evaluated: 2015-06-24. Review status: criteria provided, single submitter. Criteria: Ambry Variant Classification Scheme 2023. Collection method: clinical testing. Allele origin: germline.

PreventionGenetics, part of Exact Sciences
Classification: Likely benign for SMARCA4-related condition. Last evaluated: 2020-03-16. Review status: no assertion criteria provided. Collection method: clinical testing. Allele origin: germline. Not counted in ClinVar's aggregate classification.
Comment: This variant is classified as likely benign based on ACMG/AMP sequence variant interpretation guidelines (Richards et al. 2015 PMID: 25741868, with internal and published modifications).

NM_003072.5(SMARCA4):c.951C>T (p.Ala317=)

Gene: SMARCA4 (SWI/SNF related BAF chromatin remodeling complex subunit ATPase 4; plus strand). Cytogenetic location: 19p13.2.
Variant type: single nucleotide variant.
Coding change: c.951C>T on transcript NM_003072.5 (MANE Select); coding-DNA position 951, C replaced by T.
Protein change: p.Ala317=; no amino-acid change (alanine 317 retained).
Molecular consequence: synonymous variant. On other transcripts: non-coding transcript variant (1).
Genome position (GRCh38, 1-based): chr19:10,987,757, C>T. VCF-style: chr19-10987757-C-T. GRCh37 (hg19) VCF-style: chr19-11098433-C-T.
Other names: c.951C>T, p.Ala317= (NM_001128844.3, NM_001128845.2, NM_001128846.2 and 5 more transcripts).
Identifiers: ClinVar variation 415117 (VCV000415117.43), dbSNP rs377511733, ClinGen allele CA9203641.
Genomic context (GRCh38, chr19:10,987,757, plus strand): 5'-CACCCCTCAGAAGCTGATTCCCCCGCAGCCAACGGGCCGCCCTTCCCCCGCGCCCCCTGC[C>T]GTCCCACCCGCCGCCTCGCCCGTGATGCCACCGCAGACCCAGTCCCCCGGGCAGCCGGCC-3'
Protein context (NP_003063.2, residues 307-327): PTGRPSPAPP[Ala317=]VPPAASPVMP